The following is an entry in ClinVar:

ClinVar aggregate classification (germline): Uncertain significance (1 of 4 stars; one submission).

Allele frequency attached by ClinVar (database versions not stated): gnomAD exomes 0.00001; TOPMed 0.00001.
gnomAD v4.1: 6 of 1,613,832 alleles (0.00037%); highest among the groups gnomAD compares: East Asian, 0.013%; no homozygotes.

Submission:

Labcorp Genetics (formerly Invitae), Labcorp
Classification: Uncertain significance. Last evaluated: 2022-07-19. Review status: criteria provided, single submitter. Criteria: Invitae Variant Classification Sherloc (09022015). Collection method: clinical testing. Allele origin: germline.
Comment: This sequence change replaces serine, which is neutral and polar, with alanine, which is neutral and non-polar, at codon 1541 of the VCAN protein (p.Ser1541Ala). This variant is present in population databases (no rsID available, gnomAD 0.02%). In summary, the available evidence is currently insufficient to determine the role of this variant in disease. Therefore, it has been classified as a Variant of Uncertain Significance. Algorithms developed to predict the effect of sequence changes on RNA splicing suggest that this variant may create or strengthen a splice site. Algorithms developed to predict the effect of missense changes on protein structure and function (SIFT, PolyPhen-2, Align-GVGD) all suggest that this variant is likely to be tolerated. ClinVar contains an entry for this variant (Variation ID: 1003034). This variant has not been reported in the literature in individuals affected with VCAN-related conditions.

NM_004385.5(VCAN):c.4621T>G (p.Ser1541Ala)

Genes: VCAN (versican; plus strand), VCAN-AS1 (VCAN antisense RNA 1; minus strand). Cytogenetic location: 5q14.3.
Variant type: single nucleotide variant.
Coding change: c.4621T>G on transcript NM_004385.5 (MANE Select); coding-DNA position 4621, T replaced by G.
Protein change: p.Ser1541Ala; replaces serine 1541 with alanine.
Molecular consequence: missense variant. On other transcripts: intron variant (2).
Genome position (GRCh38, 1-based): chr5:83,537,624, T>G. VCF-style: chr5-83537624-T-G. GRCh37 (hg19) VCF-style: chr5-82833443-T-G.
Other names: c.1660T>G, p.Ser554Ala (NM_001164097.2); c.4004-7913T>G (NM_001164098.2); c.1043-7913T>G (NM_001126336.3); short protein forms S1541A, S554A.
Identifiers: ClinVar variation 1003034 (VCV001003034.10), dbSNP rs1411675055, ClinGen allele CA360308650.